The following is an entry in ClinVar:

ClinVar aggregate classification (germline): Uncertain significance (1 of 4 stars; one submission).

Conditions:
LHX4-related disorder. Also called: LHX4-related condition.

Submission:

PreventionGenetics, part of Exact Sciences
Classification: Uncertain significance for LHX4-related condition. Last evaluated: 2025-07-14. Review status: criteria provided, single submitter. Criteria: ACMG Guidelines, 2015. Collection method: clinical testing. Allele origin: germline.
Comment: The LHX4 c.757G>A variant is predicted to result in the amino acid substitution p.Asp253Asn. To our knowledge, this variant has not been reported in the literature or in a large population database (gnomAD), indicating this variant is rare. At this time, the clinical significance of this variant is uncertain due to the absence of conclusive functional and genetic evidence.

NM_033343.4(LHX4):c.757G>A (p.Asp253Asn)

Genes: ACBD6 (acyl-CoA binding domain containing 6; minus strand), LHX4 (LIM homeobox 4; plus strand), LHX4-AS1 (LHX4 antisense RNA 1; minus strand). Cytogenetic location: 1q25.2.
Variant type: single nucleotide variant.
Coding change: c.757G>A on transcript NM_033343.4 (MANE Select); coding-DNA position 757, G replaced by A.
Protein change: p.Asp253Asn; replaces aspartic acid 253 with asparagine.
Molecular consequence: missense variant.
Genome position (GRCh38, 1-based): chr1:180,271,985, G>A. VCF-style: chr1-180271985-G-A. GRCh37 (hg19) VCF-style: chr1-180241120-G-A.
Other names: short protein forms D253N.
Identifiers: ClinVar variation 4997073 (VCV004997073.1).
Genomic context (GRCh38, chr1:180,271,985, plus strand): 5'-AGGAGCCGGGGCAGCAGCAAGCAGGAGAAGGAGAGCTCTGCAGAGGACTGTGGGGTTAGT[G>A]ACAGTGAGCTGAGCTTCCGAGGTGAGCAGGGCTGGAGGGGCCAGGCCGAGGCCTTAGGAA-3'
Protein context (NP_203129.1, residues 243-263): ESSAEDCGVS[Asp253Asn]SELSFREDQI